The following is an entry in ClinVar:

ClinVar aggregate classification (germline): Conflicting classifications of pathogenicity. Review status: criteria provided, conflicting classifications (1 of 4 stars). 7 submissions from 7 submitters: Uncertain significance (5); Likely benign (1). 1 of the submissions does not count toward it. Last evaluated 2026-02-02.

Conditions:
Hereditary cancer-predisposing syndrome. Also called: Tumor predisposition; Hereditary Cancer Syndrome; Neoplastic Syndromes, Hereditary; Hereditary neoplastic syndrome. Identifiers: Orphanet 140162, MedGen C0027672, MeSH D009386, MONDO:0015356.
Familial cancer of breast. Also called: Hereditary breast cancer; BREAST CANCER, FAMILIAL; hereditary breast carcinoma. Identifiers: Orphanet 227535, MedGen C0346153, MONDO:0016419, OMIM 114480. Disease mechanism: loss of function.
Ataxia-telangiectasia syndrome (AT). Also called: Cerebello-oculocutaneous telangiectasia; Immunodeficiency with ataxia telangiectasia; Ataxia telangiectasia (A-T); LOUIS-BAR SYNDROME; ATAXIA-TELANGIECTASIA, COMPLEMENTATION GROUP A; ATAXIA-TELANGIECTASIA, FRESNO VARIANT. Identifiers: Orphanet 100, MedGen C0004135, MONDO:0008840, OMIM 208900.
Malignant tumor of breast. Also called: Malignant breast neoplasm; Cancer breast. Identifiers: MedGen C0006142, MONDO:0007254. Disease mechanism: loss of function.

Allele frequency attached by ClinVar (database versions not stated): gnomAD exomes below 0.00001 and 0.00001; ExAC 0.00001; gnomAD 0.00001; TOPMed 0.00001.
gnomAD v4.1: 6 of 1,613,356 alleles (0.00037%); highest among the groups gnomAD compares: East Asian, 0.0045%; no homozygotes.

Submissions (7):

Labcorp Genetics (formerly Invitae), Labcorp
Classification: Uncertain significance for Ataxia-telangiectasia syndrome. Last evaluated: 2026-02-02. Review status: criteria provided, single submitter. Criteria: Invitae Variant Classification Sherloc (09022015). Collection method: clinical testing. Allele origin: germline.
Comment: This sequence change replaces isoleucine, which is neutral and non-polar, with threonine, which is neutral and polar, at codon 1792 of the ATM protein (p.Ile1792Thr). This variant is present in population databases (rs776309355, gnomAD 0.01%). This variant has not been reported in the literature in individuals affected with ATM-related conditions. ClinVar contains an entry for this variant (Variation ID: 219484). Invitae Evidence Modeling of protein sequence and biophysical properties (such as structural, functional, and spatial information, amino acid conservation, physicochemical variation, residue mobility, and thermodynamic stability) indicates that this missense variant is not expected to disrupt ATM protein function with a negative predictive value of 95%. In summary, the available evidence is currently insufficient to determine the role of this variant in disease. Therefore, it has been classified as a Variant of Uncertain Significance.

Color Diagnostics, LLC DBA Color Health
Classification: Uncertain significance for Hereditary cancer-predisposing syndrome. Last evaluated: 2025-10-29. Review status: criteria provided, single submitter. Criteria: ACMG Guidelines, 2015. Collection method: clinical testing. Allele origin: germline.
Comment: This missense variant replaces isoleucine with threonine at codon 1792 of the ATM protein. Computational prediction suggests that this variant may not impact protein structure and function. To our knowledge, functional studies have not been reported for this variant. This variant has not been reported in individuals affected with ATM-related disorders in the literature. This variant has been identified in 6/1613356 chromosomes in the general population by the Genome Aggregation Database (gnomAD). The available evidence is insufficient to determine the role of this variant in disease conclusively. Therefore, this variant is classified as a Variant of Uncertain Significance.

GeneDx
Classification: Uncertain significance. Last evaluated: 2025-02-07. Review status: criteria provided, single submitter. Criteria: GeneDx Variant Classification Process June 2021. Collection method: clinical testing. Allele origin: germline. Affected: yes.
Comment: Not observed at significant frequency in large population cohorts (gnomAD); In silico analysis indicates that this missense variant does not alter protein structure/function; Has not been previously published as pathogenic or benign to our knowledge

KCCC/NGS Laboratory, Kuwait Cancer Control Center
Classification: Uncertain significance for Familial cancer of breast. Last evaluated: 2023-09-17. Review status: criteria provided, single submitter. Criteria: ACMG Guidelines, 2015. Collection method: clinical testing. Allele origin: germline. Inheritance: Autosomal dominant inheritance. Affected: yes. Observed: 1 heterozygote.
Comment: This sequence change replaces isoleucine, which is neutral and non-polar, with threonine, which is neutral and polar, at codon 1792 of the ATM protein (p.Ile1792Thr). This variant is present in population databases (rs776309355, gnomAD 0.01%). The p.Ile1792 residue is not conserved ( PhyloP=-0.21). This variant has not been reported in the literature in individuals affected with ATM-related conditions. ClinVar contains an entry for this variant (Variation ID: 219484) classified as uncertain significance. In silico prediction is conflicting.. In summary, the available evidence is currently insufficient to determine the role of this variant in disease. Therefore, it has been classified as a Variant of Uncertain Significance.

MGZ Medical Genetics Center
Classification: Uncertain significance for Familial cancer of breast. Last evaluated: 2022-05-30. Review status: criteria provided, single submitter. Criteria: ACMG Guidelines, 2015. Collection method: clinical testing. Allele origin: germline. Affected: yes. Observed: 1 variant allele.
Comment: ACMG criteria applied: PM2_SUP, BP4

Ambry Genetics
Classification: Likely benign for Hereditary cancer-predisposing syndrome. Last evaluated: 2016-01-04. Review status: criteria provided, single submitter. Criteria: Ambry Variant Classification Scheme 2023. Collection method: clinical testing. Allele origin: germline.

Department of Pathology and Laboratory Medicine, Sinai Health System
Classification: Uncertain significance for Malignant tumor of breast. Review status: no assertion criteria provided. Collection method: clinical testing. Allele origin: unknown. Affected: yes. Study: The Canadian Open Genetics Repository (COGR). Not counted in ClinVar's aggregate classification.
Comment: The ATM p.Ile1792Thr variant was not identified in the literature nor was it identified in LOVD 3.0. The variant was identified in dbSNP (ID: rs776309355) as "With Uncertain significance allele", ClinVar (classified as likely benign by Ambry Genetics; as uncertain significance by Invitae). The variant was identified in control databases in 3 of 276752 chromosomes at a frequency of 0.00001 (Genome Aggregation Database Feb 27, 2017). The variant was observed in the following populations: European in 1 of 126310 chromosomes (freq: 0.000008), East Asian in 2 of 18862 chromosomes (freq: 0.0001), while the variant was not observed in the African, Other, Latino, Ashkenazi Jewish, Finnish, and South Asian populations. The p.Ile1792 residue is not conserved in mammals and four out of four computational analyses (PolyPhen-2, SIFT, AlignGVGD, MutationTaster) do not suggest a high likelihood of impact to the protein; however, this information is not predictive enough to rule out pathogenicity. The variant occurs outside of the splicing consensus sequence and in silico or computational prediction software programs (SpliceSiteFinder, MaxEntScan, NNSPLICE, GeneSplicer) do not predict a difference in splicing. In summary, based on the above information the clinical significance of this variant cannot be determined with certainty at this time. This variant is classified as a variant of uncertain significance.

NM_000051.4(ATM):c.5375T>C (p.Ile1792Thr)

Gene: ATM (ATM serine/threonine kinase; plus strand). Cytogenetic location: 11q22.3.
Variant type: single nucleotide variant.
Coding change: c.5375T>C on transcript NM_000051.4 (MANE Select); coding-DNA position 5375, T replaced by C.
Protein change: p.Ile1792Thr; replaces isoleucine 1792 with threonine.
Molecular consequence: missense variant.
Genome position (GRCh38, 1-based): chr11:108,302,908, T>C. VCF-style: chr11-108302908-T-C. GRCh37 (hg19) VCF-style: chr11-108173635-T-C.
Other names: c.5375T>C, p.Ile1792Thr (NM_001351834.2); short protein forms I1792T.
Identifiers: ClinVar variation 219484 (VCV000219484.20), dbSNP rs776309355, ClinGen allele CA350670.